The following is an entry in ClinVar:

ClinVar aggregate classification (germline): Uncertain significance (1 of 4 stars; one submission).

Conditions:
Genitourinary and/or brain malformation syndrome (GUBS). Also called: PPP1R12A-Related Urogenital and/or Brain Malformation Syndrome. Identifiers: MedGen C5394158, MONDO:0032934, OMIM 618820.

Submission:

Dasa
Classification: Uncertain significance for genitourinary and/or brain malformation syndrome. Last evaluated: 2025-08-05. Review status: criteria provided, single submitter. Criteria: DASA Assertion Criteria. Collection method: clinical testing. Allele origin: germline.
Comment: NM_002480.3(PPP1R12A):c.2777A>G (p.Lys926Arg) is a missense variant that results in the substitution of lysine with arginine. This variant is absent from population databases. Computational prediction algorithms are consistent with a benign effect. The currently available literature and clinical evidence are not sufficient to establish a definitive association between this variant and the reported condition. Therefore, this variant is classified as a variant of uncertain significance.

NM_002480.3(PPP1R12A):c.2777A>G (p.Lys926Arg)

Gene: PPP1R12A (protein phosphatase 1 regulatory subunit 12A; minus strand). Cytogenetic location: 12q21.2.
Variant type: single nucleotide variant.
Coding change: c.2777A>G on transcript NM_002480.3 (MANE Select); coding-DNA position 2777, A replaced by G.
Protein change: p.Lys926Arg; replaces lysine 926 with arginine.
Molecular consequence: missense variant.
Genome position (GRCh38, 1-based): chr12:79,788,673, T>C on the plus strand (A>G on the coding strand, the complement: PPP1R12A is on the minus strand). VCF-style: chr12-79788673-T-C. GRCh37 (hg19) VCF-style: chr12-80182453-T-C.
Other names: c.2777A>G, p.Lys926Arg (NM_001143885.2, NM_001244990.2); c.2516A>G, p.Lys839Arg (NM_001143886.2); c.2609A>G, p.Lys870Arg (NM_001244992.1); short protein forms K839R, K870R, K926R.
Identifiers: ClinVar variation 4882737 (VCV004882737.2).